The following is an entry in ClinVar:

NM_000142.5(FGFR3):c.341C>G (p.Thr114Arg)

Gene: FGFR3 (fibroblast growth factor receptor 3; plus strand). Cytogenetic location: 4p16.3.
Variant type: single nucleotide variant.
Coding change: c.341C>G on transcript NM_000142.5 (MANE Select); coding-DNA position 341, C replaced by G.
Protein change: p.Thr114Arg; replaces threonine 114 with arginine.
Molecular consequence: missense variant. On other transcripts: non-coding transcript variant (1).
Genome position (GRCh38, 1-based): chr4:1,799,485, C>G. VCF-style: chr4-1799485-C-G. GRCh37 (hg19) VCF-style: chr4-1801212-C-G.
Other names: c.341C>G, p.Thr114Arg (NM_001354809.2, NM_001354810.2, NM_022965.4 and 1 more transcripts); short protein forms T114R.
Identifiers: ClinVar variation 3774495 (VCV003774495.1).

ClinVar aggregate classification (germline): Uncertain significance (1 of 4 stars; one submission).

Conditions:
Epidermal nevus. Also called: NEVUS, KERATINOCYTIC, NONEPIDERMOLYTIC; Nevus, epidermal, somatic. Identifiers: Orphanet 79414, MedGen C0334082, MONDO:0008093, OMIM 162900, HP:0010816.

Submission:

Clinical Genomics Laboratory, Washington University in St. Louis
Classification: Uncertain significance for Epidermal nevus. Last evaluated: 2024-11-14. Review status: criteria provided, single submitter. Criteria: Leon-Quintero et al. (Clin Genet. 2025). Collection method: clinical testing. Allele origin: somatic.
Comment: The FGFR3 c.341C>G (p.Thr114Arg) variant was identified at an allelic fraction consistent with somatic origin. To our knowledge, this variant has not been reported in the medical literature. The FGFR3 c.341C>G (p.Thr114Arg) is absent in the general population (gnomAD v.4.1.0), indicating it is not a common variant. Computational predictors suggest that the variant does not impact FGFR3 function. Due to limited information, and based on internally developed protocol informed by the ACMG/AMP guidelines for variant interpretation (Leon-Quintero FZ et al., PMID: 39434542), the clinical significance of this variant is uncertain at this time.